The following is an entry in ClinVar:

ClinVar aggregate classification (germline): Benign. Review status: criteria provided, single submitter (1 of 4 stars). 2 submissions from 2 submitters: Benign (1). 1 of the submissions does not count toward it. Last evaluated 2026-01-08.

Conditions:
SLCO2A1-related disorder. Also called: SLCO2A1-related condition.

Allele frequency attached by ClinVar (database versions not stated): gnomAD 0.00001 and 0.00022; TOPMed 0.00006; gnomAD exomes 0.00065; ExAC 0.00074; 1000 Genomes Project 30x 0.00125; 1000 Genomes Project 0.00140.
gnomAD v4.1: 548 of 1,613,902 alleles (0.034%); highest among the groups gnomAD compares: South Asian, 0.56%; 10 homozygotes.

Submissions (2):

Labcorp Genetics (formerly Invitae), Labcorp
Classification: Benign. Last evaluated: 2026-01-08. Review status: criteria provided, single submitter. Criteria: Invitae Variant Classification Sherloc (09022015). Collection method: clinical testing. Allele origin: germline.

PreventionGenetics, part of Exact Sciences
Classification: Likely benign for SLCO2A1-related condition. Last evaluated: 2022-11-11. Review status: no assertion criteria provided. Collection method: clinical testing. Allele origin: germline. Not counted in ClinVar's aggregate classification.
Comment: This variant is classified as likely benign based on ACMG/AMP sequence variant interpretation guidelines (Richards et al. 2015 PMID: 25741868, with internal and published modifications).

NM_005630.3(SLCO2A1):c.1288C>T (p.Pro430Ser)

Gene: SLCO2A1 (solute carrier organic anion transporter family member 2A1; minus strand). Cytogenetic location: 3q22.1.
Variant type: single nucleotide variant.
Coding change: c.1288C>T on transcript NM_005630.3 (MANE Select); coding-DNA position 1288, C replaced by T.
Protein change: p.Pro430Ser; replaces proline 430 with serine.
Molecular consequence: missense variant.
Genome position (GRCh38, 1-based): chr3:133,947,263, G>A on the plus strand (C>T on the coding strand, the complement: SLCO2A1 is on the minus strand). VCF-style: chr3-133947263-G-A. GRCh37 (hg19) VCF-style: chr3-133666107-G-A.
Other names: short protein forms P430S.
Identifiers: ClinVar variation 764736 (VCV000764736.10), dbSNP rs530021473, ClinGen allele CA2626527.